The following is an entry in ClinVar:

ClinVar aggregate classification (germline): Uncertain significance. Review status: criteria provided, single submitter (1 of 4 stars). 2 submissions from 1 submitter: Uncertain significance (2). Last evaluated 2021-11-22.

Conditions:
Inborn genetic diseases. Identifiers: MedGen C0950123, MeSH D030342.
Hereditary cancer-predisposing syndrome. Also called: Neoplastic Syndromes, Hereditary; Tumor predisposition; Hereditary Cancer Syndrome; Hereditary neoplastic syndrome. Identifiers: Orphanet 140162, MedGen C0027672, MeSH D009386, MONDO:0015356.

gnomAD v4.1: 1 of 1,613,994 alleles (0.000062%); highest among the groups gnomAD compares: East Asian, 0.0022%; no homozygotes.

Submissions (2):

Ambry Genetics
Classification: Uncertain significance for Inborn genetic diseases. Last evaluated: 2021-11-22. Review status: criteria provided, single submitter. Criteria: Ambry General Variant Classification Scheme_2022. Collection method: clinical testing. Allele origin: germline. Observed: 1 variant allele.

Ambry Genetics
Classification: Uncertain significance for Hereditary cancer-predisposing syndrome. Last evaluated: 2021-07-16. Review status: criteria provided, single submitter. Criteria: Ambry General Variant Classification Scheme_2022. Collection method: clinical testing. Allele origin: germline. Observed: 1 variant allele.
Comment: The p.S582P variant (also known as c.1744T>C), located in coding exon 9 of the PALLD gene, results from a T to C substitution at nucleotide position 1744. The serine at codon 582 is replaced by proline, an amino acid with similar properties. This amino acid position is conserved. In addition, this alteration is predicted to be tolerated by in silico analysis. Since supporting evidence is limited at this time, the clinical significance of this alteration remains unclear.

NM_001166108.2(PALLD):c.1744T>C (p.Ser582Pro)

Gene: PALLD (palladin, cytoskeletal associated protein; plus strand). Cytogenetic location: 4q32.3.
Variant type: single nucleotide variant.
Coding change: c.1744T>C on transcript NM_001166108.2 (MANE Select); coding-DNA position 1744, T replaced by C.
Protein change: p.Ser582Pro; replaces serine 582 with proline.
Molecular consequence: missense variant.
Genome position (GRCh38, 1-based): chr4:168,711,703, T>C. VCF-style: chr4-168711703-T-C. GRCh37 (hg19) VCF-style: chr4-169632854-T-C.
Other names: c.598T>C, p.Ser200Pro (NM_001166109.2); c.1744T>C, p.Ser582Pro (NM_016081.4); c.1744T>C (NM_001166108.1); short protein forms S200P, S582P.
Identifiers: ClinVar variation 1779268 (VCV001779268.3), dbSNP rs749527043, ClinGen allele CA358798121.